The following is an entry in ClinVar:

NM_004655.4(AXIN2):c.1411C>G (p.His471Asp)

Gene: AXIN2 (axin 2; minus strand). Cytogenetic location: 17q24.1.
Variant type: single nucleotide variant.
Coding change: c.1411C>G on transcript NM_004655.4 (MANE Select); coding-DNA position 1411, C replaced by G.
Protein change: p.His471Asp; replaces histidine 471 with aspartic acid.
Molecular consequence: missense variant.
Genome position (GRCh38, 1-based): chr17:65,537,625, G>C on the plus strand (C>G on the coding strand, the complement: AXIN2 is on the minus strand). VCF-style: chr17-65537625-G-C. GRCh37 (hg19) VCF-style: chr17-63533743-G-C.
Other names: c.1411C>G, p.His471Asp (NM_001363813.1); short protein forms H471D.
Identifiers: ClinVar variation 1772046 (VCV001772046.2), dbSNP rs544255284, ClinGen allele CA400677557.

ClinVar aggregate classification (germline): Uncertain significance (1 of 4 stars; one submission).

Conditions:
Hereditary cancer-predisposing syndrome. Also called: Hereditary Cancer Syndrome; Hereditary neoplastic syndrome; Neoplastic Syndromes, Hereditary; Tumor predisposition. Identifiers: Orphanet 140162, MedGen C0027672, MeSH D009386, MONDO:0015356.

Submission:

Ambry Genetics
Classification: Uncertain significance for Hereditary cancer-predisposing syndrome. Last evaluated: 2020-08-24. Review status: criteria provided, single submitter. Criteria: Ambry Variant Classification Scheme 2023. Collection method: clinical testing. Allele origin: germline.
Comment: The p.H471D variant (also known as c.1411C>G), located in coding exon 5 of the AXIN2 gene, results from a C to G substitution at nucleotide position 1411. The histidine at codon 471 is replaced by aspartic acid, an amino acid with similar properties. This amino acid position is well conserved in available vertebrate species. In addition, this alteration is predicted to be tolerated by in silico analysis. Since supporting evidence is limited at this time, the clinical significance of this alteration remains unclear.